The following is an entry in ClinVar:

ClinVar aggregate classification (germline): Benign (1 of 4 stars; one submission).

Allele frequency attached by ClinVar (database versions not stated): gnomAD exomes 0.10691; gnomAD 0.26219; TOPMed 0.29359; 1000 Genomes Project 0.39816; 1000 Genomes Project 30x 0.39944.
gnomAD v4.1: 162,421 of 1,281,004 alleles (13%); highest among the groups gnomAD compares: East Asian, 59%; 21,256 homozygotes.

Submission:

Unidad de Genómica Garrahan, Hospital de Pediatría Garrahan
Classification: Benign. Last evaluated: 2023-11-12. Review status: criteria provided, single submitter. Criteria: ACMG Guidelines, 2015. Collection method: clinical testing. Allele origin: germline. Affected: no. Observed: 43 variant alleles.
Comment: This variant is classified as Benign based on local population frequency. This variant was detected in 45% of patients studied by a panel of primary immunodeficiencies. Number of patients: 43. Only high quality variants are reported.

NM_001039569.2(AP1S3):c.291+2651T>C

Gene: AP1S3 (adaptor related protein complex 1 subunit sigma 3; minus strand). Cytogenetic location: 2q36.1.
Variant type: single nucleotide variant.
Coding change: c.291+2651T>C on transcript NM_001039569.2 (MANE Select); 2651 bases into the intron after coding-DNA position 291, T replaced by C.
Molecular consequence: intron variant.
Genome position (GRCh38, 1-based): chr2:223,773,250, A>G on the plus strand (T>C on the coding strand, the complement: AP1S3 is on the minus strand). VCF-style: chr2-223773250-A-G. GRCh37 (hg19) VCF-style: chr2-224637967-A-G.
Identifiers: ClinVar variation 2628198 (VCV002628198.2), dbSNP rs16865186, ClinGen allele CA11264787.
Genomic context (GRCh38, chr2:223,773,250, plus strand): 5'-GATTGAGATCAAAATTCAGCCCCAATTCACATTATCACAGTTGGTTTAATCTAGGAAAAT[A>G]CAACAGGTCAAGCCGGAGTTCAGAAATGAGAAAGAGAAGGCAGGTTACGGGAATGCCCAG-3'